The following is an entry in ClinVar:

ClinVar aggregate classification (germline): Likely pathogenic (1 of 4 stars; one submission).

Conditions:
Dilated cardiomyopathy 1G (CMD1G). Identifiers: Orphanet 154, MedGen C1858763, MONDO:0011400, OMIM 604145.
Autosomal recessive limb-girdle muscular dystrophy type 2J (LGMDR10). Also called: Limb-girdle muscular dystrophy, type 2J; MUSCULAR DYSTROPHY, LIMB-GIRDLE, AUTOSOMAL RECESSIVE 10. Identifiers: Orphanet 140922, MedGen C1837342, MONDO:0012127, OMIM 608807.

Submission:

Labcorp Genetics (formerly Invitae), Labcorp
Classification: Likely pathogenic for Dilated cardiomyopathy 1G; Autosomal recessive limb-girdle muscular dystrophy type 2J. Last evaluated: 2024-07-22. Review status: criteria provided, single submitter. Criteria: Invitae Variant Classification Sherloc (09022015). Collection method: clinical testing. Allele origin: germline.
Comment: This sequence change creates a premature translational stop signal (p.Glu1153*) in the TTN gene. While this is not anticipated to result in nonsense mediated decay, it is expected to create a truncated TTN protein. This variant is not present in population databases (gnomAD no frequency). This variant has not been reported in the literature in individuals affected with TTN-related conditions. ClinVar contains an entry for this variant (Variation ID: 1045655). This variant is located in the Z band of TTN (PMID: 25589632). Truncating variants in this region have been reported in individuals affected with autosomal recessive centronuclear myopathy (PMID: 33449170, Invitae internal data). Truncating variants in this region have also been identified in individuals affected with autosomal dominant dilated cardiomyopathy and/or cardio-related conditions (PMID: 27869827, 32964742, Invitae internal data). In summary, the currently available evidence indicates that the variant is pathogenic, but additional data are needed to prove that conclusively. Therefore, this variant has been classified as Likely Pathogenic.

Literature cited by the submitters: PubMed 25589632; PubMed 33449170; PubMed 27869827; PubMed 32964742.

NM_001267550.2(TTN):c.3457G>T (p.Glu1153Ter)

Gene: TTN (titin; minus strand). Cytogenetic location: 2q31.2.
Variant type: single nucleotide variant.
Coding change: c.3457G>T on transcript NM_001267550.2 (MANE Select); coding-DNA position 3457, G replaced by T.
Protein change: p.Glu1153Ter; replaces glutamic acid 1153 with a stop codon.
Molecular consequence: nonsense.
Genome position (GRCh38, 1-based): chr2:178,781,187, C>A on the plus strand (G>T on the coding strand, the complement: TTN is on the minus strand). VCF-style: chr2-178781187-C-A. GRCh37 (hg19) VCF-style: chr2-179645914-C-A.
Other names: c.3457G>T, p.Glu1153Ter (NM_001256850.1, NM_133378.4, NM_133379.5); c.3319G>T, p.Glu1107Ter (NM_003319.4, NM_133432.3, NM_133437.4); short protein forms E1107*, E1153*.
Identifiers: ClinVar variation 1045655 (VCV001045655.9), dbSNP rs2092730732, ClinGen allele CA349483371.